The following is an entry in ClinVar:

NM_000089.4(COL1A2):c.1144G>A (p.Gly382Ser)

Gene: COL1A2 (collagen type I alpha 2 chain; plus strand). Cytogenetic location: 7q21.3.
Variant type: single nucleotide variant.
Coding change: c.1144G>A on transcript NM_000089.4 (MANE Select); coding-DNA position 1144, G replaced by A.
Protein change: p.Gly382Ser; replaces glycine 382 with serine.
Molecular consequence: missense variant.
Genome position (GRCh38, 1-based): chr7:94,410,474, G>A. VCF-style: chr7-94410474-G-A. GRCh37 (hg19) VCF-style: chr7-94039786-G-A.
Other names: short protein forms G382S.
Identifiers: ClinVar variation 1446660 (VCV001446660.8), dbSNP rs2115896730, ClinGen allele CA368221244.
Genomic context (GRCh38, chr7:94,410,474, plus strand): 5'-AAACAGGGCTCTGCTGGGCCCCAAGGTCCTCCTGGTCCCAGTGGTGAAGAAGGAAAGAGA[G>A]GCCCTAATGGGGAAGCTGGATCTGCCGGCCCTCCAGGACCTCCTGGGCTGAGAGTAGGTT-3'
Protein context (NP_000080.2, residues 372-392): PGPSGEEGKR[Gly382Ser]PNGEAGSAGP

ClinVar aggregate classification (germline): Pathogenic (1 of 4 stars; one submission).

Conditions:
Ehlers-Danlos syndrome, classic type, 1 (EDSCL1). Also called: EHLERS-DANLOS SYNDROME, GRAVIS TYPE; EHLERS-DANLOS SYNDROME, SEVERE CLASSIC TYPE; Ehlers-Danlos syndrome, type 1; Ehlers-Danlos Syndrome, Classic Type, COL5A1-Related; EDS I. Identifiers: MedGen C0268335, MONDO:0019567, OMIM 130000.
Osteogenesis imperfecta type I (OI1). Also called: OI, TYPE I; OSTEOGENESIS IMPERFECTA TARDA; OSTEOGENESIS IMPERFECTA WITH BLUE SCLERAE; Osteogenesis imperfecta type 1; Lobstein's Disease; Lobstein disease. Identifiers: Orphanet 216796, Orphanet 666, MedGen C0023931, MONDO:0008146, OMIM 166200. Disease mechanism: loss of function.

Submission:

Labcorp Genetics (formerly Invitae), Labcorp
Classification: Pathogenic for Osteogenesis imperfecta type I; Ehlers-Danlos syndrome, classic type, 1. Last evaluated: 2024-04-09. Review status: criteria provided, single submitter. Criteria: Invitae Variant Classification Sherloc (09022015). Collection method: clinical testing. Allele origin: germline.
Comment: This sequence change replaces glycine, which is neutral and non-polar, with serine, which is neutral and polar, at codon 382 of the COL1A2 protein (p.Gly382Ser). This variant is not present in population databases (gnomAD no frequency). This missense change has been observed in individual(s) with autosomal dominant osteogenesis imperfecta (PMID: 30715774). ClinVar contains an entry for this variant (Variation ID: 1446660). Advanced modeling of protein sequence and biophysical properties (such as structural, functional, and spatial information, amino acid conservation, physicochemical variation, residue mobility, and thermodynamic stability) performed at Invitae indicates that this missense variant is expected to disrupt COL1A2 protein function with a positive predictive value of 95%. This variant disrupts the triple helix domain of COL1A2. Glycine residues within the Gly-Xaa-Yaa repeats of the triple helix domain are required for the structure and stability of fibrillar collagens (PMID: 7695699, 8218237, 19344236). In COL1A2, variants affecting these glycine residues are significantly enriched in individuals with disease (PMID: 9016532, 17078022) compared to the general population (ExAC). For these reasons, this variant has been classified as Pathogenic.

Literature cited by the submitters: PubMed 30715774; PubMed 7695699; PubMed 8218237; PubMed 19344236; PubMed 9016532; PubMed 17078022.